The following is an entry in ClinVar:

NM_000061.3(BTK):c.1387G>A (p.Val463Ile)

Gene: BTK (Bruton tyrosine kinase; minus strand). Cytogenetic location: Xq22.1.
Variant type: single nucleotide variant.
Coding change: c.1387G>A on transcript NM_000061.3 (MANE Select); coding-DNA position 1387, G replaced by A.
Protein change: p.Val463Ile; replaces valine 463 with isoleucine.
Molecular consequence: missense variant. On other transcripts: intron variant (1).
Genome position (GRCh38, 1-based): chrX:101,356,231, C>T on the plus strand (G>A on the coding strand, the complement: BTK is on the minus strand). VCF-style: chrX-101356231-C-T. GRCh37 (hg19) VCF-style: chrX-100611219-C-T.
Other names: c.1489G>A, p.Val497Ile (NM_001287344.2); c.1039-1537G>A (NM_001287345.2); short protein forms V497I, V463I.
Identifiers: ClinVar variation 2959824 (VCV002959824.3), dbSNP rs781792640, ClinGen allele CA10473017.

ClinVar aggregate classification (germline): Uncertain significance (1 of 4 stars; one submission).

Conditions:
X-linked agammaglobulinemia with growth hormone deficiency (IGHD3). Also called: FLEISHER SYNDROME; HYPOGAMMAGLOBULINEMIA AND ISOLATED GROWTH HORMONE DEFICIENCY, X-LINKED; IGHD III; ISOLATED GROWTH HORMONE DEFICIENCY, TYPE III, WITH AGAMMAGLOBULINEMIA; AGAMMAGLOBULINEMIA AND ISOLATED GROWTH HORMONE DEFICIENCY, X-LINKED; Isolated growth hormone deficiency type 3. Identifiers: Orphanet 231692, Orphanet 631, MedGen C0472813, MONDO:0010615, OMIM 307200.

Allele frequency attached by ClinVar (database versions not stated): ExAC 0.00001; gnomAD exomes 0.00001.
gnomAD v4.1: 6 of 1,211,281 alleles (0.0005%); highest among the groups gnomAD compares: Non-Finnish European, 0.00067%; no homozygotes.

Submission:

Labcorp Genetics (formerly Invitae), Labcorp
Classification: Uncertain significance for X-linked agammaglobulinemia with growth hormone deficiency. Last evaluated: 2023-12-16. Review status: criteria provided, single submitter. Criteria: Invitae Variant Classification Sherloc (09022015). Collection method: clinical testing. Allele origin: germline.
Comment: This sequence change replaces valine, which is neutral and non-polar, with isoleucine, which is neutral and non-polar, at codon 463 of the BTK protein (p.Val463Ile). The frequency data for this variant in the population databases is considered unreliable, as metrics indicate poor data quality at this position in the gnomAD database. This variant has not been reported in the literature in individuals affected with BTK-related conditions. Advanced modeling of protein sequence and biophysical properties (such as structural, functional, and spatial information, amino acid conservation, physicochemical variation, residue mobility, and thermodynamic stability) performed at Invitae indicates that this missense variant is not expected to disrupt BTK protein function with a negative predictive value of 80%. In summary, the available evidence is currently insufficient to determine the role of this variant in disease. Therefore, it has been classified as a Variant of Uncertain Significance.